The following is an entry in ClinVar:

NM_173651.4(FSIP2):c.7366T>C (p.Leu2456=)

Genes: FSIP2 (fibrous sheath interacting protein 2; plus strand), FSIP2-AS1 (FSIP2 antisense RNA 1; minus strand). Cytogenetic location: 2q32.1.
Variant type: single nucleotide variant.
Coding change: c.7366T>C on transcript NM_173651.4 (MANE Select); coding-DNA position 7366, T replaced by C.
Protein change: p.Leu2456=; no amino-acid change (leucine 2456 retained).
Molecular consequence: synonymous variant.
Genome position (GRCh38, 1-based): chr2:185,794,502, T>C. VCF-style: chr2-185794502-T-C. GRCh37 (hg19) VCF-style: chr2-186659229-T-C.
Identifiers: ClinVar variation 3057096 (VCV003057096.2), dbSNP rs141509550, ClinGen allele CA2016786.

ClinVar aggregate classification (germline): Likely benign (0 of 4 stars; one submission).

Conditions:
FSIP2-related disorder. Also called: FSIP2-related condition.

Allele frequency attached by ClinVar (database versions not stated): ExAC 0.00126; TOPMed 0.00144; gnomAD 0.00148; 1000 Genomes Project 30x 0.00906; 1000 Genomes Project 0.00938; gnomAD exomes 0.00076.
gnomAD v4.1: 1,317 of 1,523,156 alleles (0.086%); highest among the groups gnomAD compares: East Asian, 2.6%; 16 homozygotes.

Submission:

PreventionGenetics, part of Exact Sciences
Classification: Likely benign for FSIP2-related condition. Last evaluated: 2024-06-05. Review status: no assertion criteria provided. Collection method: clinical testing. Allele origin: germline.
Comment: This variant is classified as likely benign based on ACMG/AMP sequence variant interpretation guidelines (Richards et al. 2015 PMID: 25741868, with internal and published modifications).